The following is an entry in ClinVar:

ClinVar aggregate classification (germline): Uncertain significance (1 of 4 stars; one submission).

Submission:

Ambry Genetics
Classification: Uncertain significance. Last evaluated: 2024-01-23. Review status: criteria provided, single submitter. Criteria: Ambry Variant Classification Scheme 2023. Collection method: clinical testing. Allele origin: germline.
Comment: The p.T1937I variant (also known as c.5810C>T), located in coding exon 8 of the ALPK2 gene, results from a C to T substitution at nucleotide position 5810. The threonine at codon 1937 is replaced by isoleucine, an amino acid with similar properties. This amino acid position is conserved. In addition, this alteration is predicted to be tolerated by in silico analysis. Based on the available evidence, the clinical significance of this alteration remains unclear.

NM_052947.4(ALPK2):c.5810C>T (p.Thr1937Ile)

Gene: ALPK2 (alpha kinase 2; minus strand). Cytogenetic location: 18q21.31.
Variant type: single nucleotide variant.
Coding change: c.5810C>T on transcript NM_052947.4 (MANE Select); coding-DNA position 5810, C replaced by T.
Protein change: p.Thr1937Ile; replaces threonine 1937 with isoleucine.
Molecular consequence: missense variant.
Genome position (GRCh38, 1-based): chr18:58,517,038, G>A on the plus strand (C>T on the coding strand, the complement: ALPK2 is on the minus strand). VCF-style: chr18-58517038-G-A. GRCh37 (hg19) VCF-style: chr18-56184270-G-A.
Other names: short protein forms T1937I.
Identifiers: ClinVar variation 3228820 (VCV003228820.1), dbSNP rs2518862826, ClinGen allele CA402548720.